The following is an entry in ClinVar:

NM_006030.4(CACNA2D2):c.1551+5G>A

Gene: CACNA2D2 (calcium voltage-gated channel auxiliary subunit alpha2delta 2; minus strand). Cytogenetic location: 3p21.31.
Variant type: single nucleotide variant.
Coding change: c.1551+5G>A on transcript NM_006030.4 (MANE Select); 5 bases into the intron after coding-DNA position 1551, G replaced by A.
Molecular consequence: intron variant.
Genome position (GRCh38, 1-based): chr3:50,377,727, C>T on the plus strand (G>A on the coding strand, the complement: CACNA2D2 is on the minus strand). VCF-style: chr3-50377727-C-T. GRCh37 (hg19) VCF-style: chr3-50415158-C-T.
Other names: c.1344+5G>A (NM_001291101.1); c.1551+5G>A (NM_001005505.3, NM_001174051.3).
Identifiers: ClinVar variation 653299 (VCV000653299.2), dbSNP rs766412890, ClinGen allele CA2418830.

ClinVar aggregate classification (germline): Uncertain significance (1 of 4 stars; one submission).

Conditions:
Developmental and epileptic encephalopathy. Identifiers: MedGen C5779964, MONDO:0100620.

Allele frequency attached by ClinVar (database versions not stated): gnomAD exomes below 0.00001; ExAC 0.00001; gnomAD 0.00001.
gnomAD v4.1: 2 of 1,610,860 alleles (0.00012%); highest among the groups gnomAD compares: African/African-American, 0.0013%; no homozygotes.

Submission:

Labcorp Genetics (formerly Invitae), Labcorp
Classification: Uncertain significance for Early infantile epileptic encephalopathy with suppression bursts. Last evaluated: 2018-11-05. Review status: criteria provided, single submitter. Criteria: Invitae Variant Classification Sherloc (09022015). Collection method: clinical testing. Allele origin: germline.
Comment: This sequence change falls in intron 16 of the CACNA2D2 gene. It does not directly change the encoded amino acid sequence of the CACNA2D2 protein, but it affects a nucleotide within the consensus splice site of the intron. This variant is present in population databases (rs766412890, ExAC 0.002%). This variant has not been reported in the literature in individuals with CACNA2D2-related disease. Nucleotide substitutions within the consensus splice site are a relatively common cause of aberrant splicing (PMID: 17576681, 9536098). Algorithms developed to predict the effect of sequence changes on RNA splicing suggest that this variant may disrupt the consensus splice site, but this prediction has not been confirmed by published transcriptional studies. In summary, the available evidence is currently insufficient to determine the role of this variant in disease. Therefore, it has been classified as a Variant of Uncertain Significance.